The following is an entry in ClinVar:

NM_004104.5(FASN):c.5636C>T (p.Thr1879Ile)

Gene: FASN (fatty acid synthase; minus strand). Cytogenetic location: 17q25.3.
Variant type: single nucleotide variant.
Coding change: c.5636C>T on transcript NM_004104.5 (MANE Select); coding-DNA position 5636, C replaced by T.
Protein change: p.Thr1879Ile; replaces threonine 1879 with isoleucine.
Molecular consequence: missense variant.
Genome position (GRCh38, 1-based): chr17:82,083,045, G>A on the plus strand (C>T on the coding strand, the complement: FASN is on the minus strand). VCF-style: chr17-82083045-G-A. GRCh37 (hg19) VCF-style: chr17-80040921-G-A.
Other names: short protein forms T1879I.
Identifiers: ClinVar variation 2197293 (VCV002197293.4), dbSNP rs897091148, ClinGen allele CA295126873.

ClinVar aggregate classification (germline): Uncertain significance (1 of 4 stars; one submission).

Conditions:
Epileptic encephalopathy. Identifiers: MedGen C0543888, HP:0200134.

Allele frequency attached by ClinVar (database versions not stated): gnomAD 0.00001; TOPMed 0.00002.
gnomAD v4.1: 2 of 1,612,638 alleles (0.00012%); highest among the groups gnomAD compares: African/African-American, 0.0027%; no homozygotes.

Submission:

Labcorp Genetics (formerly Invitae), Labcorp
Classification: Uncertain significance for Epileptic encephalopathy. Last evaluated: 2023-04-24. Review status: criteria provided, single submitter. Criteria: Invitae Variant Classification Sherloc (09022015). Collection method: clinical testing. Allele origin: germline.
Comment: In summary, the available evidence is currently insufficient to determine the role of this variant in disease. Therefore, it has been classified as a Variant of Uncertain Significance. An algorithm developed to predict the effect of missense changes on protein structure and function (PolyPhen-2) suggests that this variant is likely to be disruptive. ClinVar contains an entry for this variant (Variation ID: 2197293). This variant has not been reported in the literature in individuals affected with FASN-related conditions. This variant is present in population databases (no rsID available, gnomAD 0.01%). This sequence change replaces threonine, which is neutral and polar, with isoleucine, which is neutral and non-polar, at codon 1879 of the FASN protein (p.Thr1879Ile).